The following is an entry in ClinVar:

NM_003073.5(SMARCB1):c.550G>A (p.Glu184Lys)

Gene: SMARCB1 (SWI/SNF related BAF chromatin remodeling complex subunit B1; plus strand). Cytogenetic location: 22q11.23.
Variant type: single nucleotide variant.
Coding change: c.550G>A on transcript NM_003073.5 (MANE Select); coding-DNA position 550, G replaced by A.
Protein change: p.Glu184Lys; replaces glutamic acid 184 with lysine.
Molecular consequence: missense variant.
Genome position (GRCh38, 1-based): chr22:23,803,344, G>A. VCF-style: chr22-23803344-G-A. GRCh37 (hg19) VCF-style: chr22-24145531-G-A.
Other names: c.523G>A, p.Glu175Lys (NM_001007468.3); c.577G>A, p.Glu193Lys (NM_001317946.2); c.604G>A, p.Glu202Lys (NM_001362877.2); short protein forms E175K, E202K, E184K, E193K.
Identifiers: ClinVar variation 825794 (VCV000825794.15), dbSNP rs776374083, ClinGen allele CA10145990.
Genomic context (GRCh38, chr22:23,803,344, plus strand): 5'-TTCACTTTCAGCTTTGATGACCATGACCCAGCTGTGATCCATGAGAACGCATCTCAGCCC[G>A]AGGTGCTGGTCCCCATCCGGCTGGACATGGAGATCGATGGGCAGAAGCTGCGAGACGCCT-3'
Protein context (NP_003064.2, residues 174-194): AVIHENASQP[Glu184Lys]VLVPIRLDME

ClinVar aggregate classification (germline): Uncertain significance. Review status: criteria provided, multiple submitters, no conflicts (2 of 4 stars). 2 submissions from 2 submitters: Uncertain significance (2). Last evaluated 2025-09-19.

Conditions:
Hereditary cancer-predisposing syndrome. Also called: Neoplastic Syndromes, Hereditary; Tumor predisposition; Hereditary neoplastic syndrome; Hereditary Cancer Syndrome. Identifiers: Orphanet 140162, MedGen C0027672, MeSH D009386, MONDO:0015356.

Allele frequency attached by ClinVar (database versions not stated): gnomAD exomes below 0.00001; TOPMed below 0.00001; ExAC 0.00001; gnomAD 0.00001.

Submissions (2):

Ambry Genetics
Classification: Uncertain significance for Hereditary cancer-predisposing syndrome. Last evaluated: 2025-09-19. Review status: criteria provided, single submitter. Criteria: Ambry Variant Classification Scheme 2023. Collection method: clinical testing. Allele origin: germline.
Comment: The p.E184K variant (also known as c.550G>A), located in coding exon 5 of the SMARCB1 gene, results from a G to A substitution at nucleotide position 550. The glutamic acid at codon 184 is replaced by lysine, an amino acid with similar properties. This amino acid position is highly conserved in available vertebrate species. In addition, this alteration is predicted to be deleterious by in silico analysis. Missense and in-frame variants in SMARCB1 are known to cause neurodevelopmental disorders; however, such associations with rhabdoid tumor predisposition syndrome are exceedingly rare (Kosho T et al. Am J Med Genet C Semin Med Genet. 2014 Sep;166C(3):262-75; Eaton KW et al. Pediatr Blood Cancer. 2011 Jan;56(1):7-15). This variant has been detected in multiple individuals with no reported features of Coffin-Siris syndrome-associated disease (Ambry internal data). Since supporting evidence is limited at this time, the clinical significance of this alteration remains unclear.

Labcorp Genetics (formerly Invitae), Labcorp
Classification: Uncertain significance. Last evaluated: 2025-04-30. Review status: criteria provided, single submitter. Criteria: Invitae Variant Classification Sherloc (09022015). Collection method: clinical testing. Allele origin: germline.
Comment: This sequence change replaces glutamic acid, which is acidic and polar, with lysine, which is basic and polar, at codon 184 of the SMARCB1 protein (p.Glu184Lys). This variant is present in population databases (rs776374083, gnomAD 0.007%). This variant has not been reported in the literature in individuals affected with SMARCB1-related conditions. ClinVar contains an entry for this variant (Variation ID: 825794). Invitae Evidence Modeling of protein sequence and biophysical properties (such as structural, functional, and spatial information, amino acid conservation, physicochemical variation, residue mobility, and thermodynamic stability) indicates that this missense variant is expected to disrupt SMARCB1 protein function with a positive predictive value of 80%. In summary, the available evidence is currently insufficient to determine the role of this variant in disease. Therefore, it has been classified as a Variant of Uncertain Significance.